The following is an entry in ClinVar:

ClinVar aggregate classification (germline): Uncertain significance (1 of 4 stars; one submission).

Conditions:
Landau-Kleffner syndrome (FESD). Also called: APHASIA, ACQUIRED, WITH EPILEPSY; EPILEPSY, FOCAL, WITH SPEECH DISORDER AND WITH OR WITHOUT MENTAL RETARDATION. Identifiers: Orphanet 1945, Orphanet 725, Orphanet 98818, MedGen C0282512, MONDO:0009509, OMIM 245570.

Submission:

Labcorp Genetics (formerly Invitae), Labcorp
Classification: Uncertain significance for Landau-Kleffner syndrome. Last evaluated: 2023-09-04. Review status: criteria provided, single submitter. Criteria: Invitae Variant Classification Sherloc (09022015). Collection method: clinical testing. Allele origin: germline.
Comment: In summary, the available evidence is currently insufficient to determine the role of this variant in disease. Therefore, it has been classified as a Variant of Uncertain Significance. Advanced modeling of protein sequence and biophysical properties (such as structural, functional, and spatial information, amino acid conservation, physicochemical variation, residue mobility, and thermodynamic stability) performed at Invitae indicates that this missense variant is expected to disrupt GRIN2A protein function. This variant has not been reported in the literature in individuals affected with GRIN2A-related conditions. This variant is not present in population databases (gnomAD no frequency). This sequence change replaces methionine, which is neutral and non-polar, with lysine, which is basic and polar, at codon 90 of the GRIN2A protein (p.Met90Lys).

NM_001134407.3(GRIN2A):c.269T>A (p.Met90Lys)

Gene: GRIN2A (glutamate ionotropic receptor NMDA type subunit 2A; minus strand). Cytogenetic location: 16p13.2.
Variant type: single nucleotide variant.
Coding change: c.269T>A on transcript NM_001134407.3 (MANE Select); coding-DNA position 269, T replaced by A.
Protein change: p.Met90Lys; replaces methionine 90 with lysine.
Molecular consequence: missense variant.
Genome position (GRCh38, 1-based): chr16:10,180,143, A>T on the plus strand (T>A on the coding strand, the complement: GRIN2A is on the minus strand). VCF-style: chr16-10180143-A-T. GRCh37 (hg19) VCF-style: chr16-10274000-A-T.
Other names: c.269T>A, p.Met90Lys (NM_000833.5, NM_001134408.2); short protein forms M90K.
Identifiers: ClinVar variation 2757950 (VCV002757950.3), dbSNP rs933535128, ClinGen allele CA394715382.